The following is an entry in ClinVar:

NM_000070.3(CAPN3):c.2264-1G>A

Gene: CAPN3 (calpain 3; plus strand). Cytogenetic location: 15q15.1.
Variant type: single nucleotide variant.
Coding change: c.2264-1G>A on transcript NM_000070.3 (MANE Select); the canonical splice acceptor site of the intron before coding-DNA position 2264, G replaced by A.
Molecular consequence: splice acceptor variant.
Genome position (GRCh38, 1-based): chr15:42,410,883, G>A. VCF-style: chr15-42410883-G-A. GRCh37 (hg19) VCF-style: chr15-42703081-G-A.
Other names: c.2246-1G>A (NM_024344.2); c.1988-1G>A (NM_173087.2); c.728-1G>A (NM_173088.2); c.269-1G>A (NM_173090.2, NM_173089.2).
Identifiers: ClinVar variation 4081605 (VCV004081605.1).

ClinVar aggregate classification (germline): Pathogenic (1 of 4 stars; one submission).

Conditions:
Autosomal recessive limb-girdle muscular dystrophy type 2A (LGMDR1). Also called: LEYDEN-MOEBIUS MUSCULAR DYSTROPHY; MUSCULAR DYSTROPHY, PELVOFEMORAL; Limb-girdle muscular dystrophy, type 2A; Calpainopathy; Muscular dystrophy, limb-girdle, type 2A, Amish. Identifiers: Orphanet 267, MedGen C1869123, MONDO:0009675, OMIM 253600. Disease mechanism: loss of function.

Submission:

Myriad Genetics, Inc.
Classification: Pathogenic for Autosomal recessive limb-girdle muscular dystrophy type 2A. Last evaluated: 2025-03-11. Review status: criteria provided, single submitter. Criteria: Myriad Autosomal Dominant, Autosomal Recessive and X-Linked Classification Criteria (2023). Collection method: clinical testing. Allele origin: unknown.
Comment: NM_000070.2(CAPN3):c.2264-1G>A is a variant in a canonical splice site classified as pathogenic in the context of calpainopathy. c.2264-1G>A has been observed in a case with relevant disease (PMID: 27357428). Relevant functional assessments of this variant are not available in the literature. c.2264-1G>A has not been observed in referenced population frequency databases. In summary, NM_000070.2(CAPN3):c.2264-1G>A is a variant in a canonical splice site that has been observed more frequently in cases with the relevant disease than in healthy populations. Please note: this variant was assessed in the context of healthy population screening.

Literature cited by the submitters: PubMed 27357428.